The following is an entry in ClinVar:

ClinVar aggregate classification (germline): Likely benign (1 of 4 stars; one submission).

Submission:

CeGaT Center for Human Genetics Tuebingen
Classification: Likely benign. Last evaluated: 2023-08-01. Review status: criteria provided, single submitter. Criteria: CeGaT Center For Human Genetics Tuebingen Variant Classification Criteria Version 2. Collection method: clinical testing. Allele origin: germline. Affected: yes. Observed: 2 variant alleles.
Comment: KDM6B: BP4, BP7

NM_001348716.2(KDM6B):c.1005A>C (p.Pro335=)

Gene: KDM6B (lysine demethylase 6B; plus strand). Cytogenetic location: 17p13.1.
Variant type: single nucleotide variant.
Coding change: c.1005A>C on transcript NM_001348716.2 (MANE Select); coding-DNA position 1005, A replaced by C.
Protein change: p.Pro335=; no amino-acid change (proline 335 retained).
Molecular consequence: synonymous variant.
Genome position (GRCh38, 1-based): chr17:7,847,200, A>C. VCF-style: chr17-7847200-A-C. GRCh37 (hg19) VCF-style: chr17-7750518-A-C.
Other names: c.1005A>C, p.Pro335= (NM_001080424.2).
Identifiers: ClinVar variation 2647393 (VCV002647393.24), dbSNP rs899565111, ClinGen allele CA287512555.